The following continues an entry in ClinVar:

NM_000218.3(KCNQ1):c.477+1G>A

Gene: KCNQ1. ClinVar aggregate classification (germline): Likely pathogenic. Likely pathogenic (1).

Submissions 11 to 15 of 15:

Ambry Genetics
Classification: Pathogenic for Cardiovascular phenotype. Last evaluated: 2023-11-01. Review status: criteria provided, single submitter. Criteria: Ambry Variant Classification Scheme 2023. Collection method: clinical testing. Allele origin: germline. Not counted in ClinVar's aggregate classification.
Comment: The c.477+1G>A intronic pathogenic mutation results from a G to A substitution one nucleotide after coding exon 2 of the KCNQ1 gene. In a study of long QT syndrome (LQTS) clinical genetic testing, this alteration was reported in one patient (Kapplinger JD et al. Heart Rhythm. 2009;6(9):1297-303). This alteration has also been reported in the homozygous state in siblings with Jervell and Lange-Nielsen syndrome; however, heterozygous family members reportedly did not have LQTS phenotype. The same study reported this alteration to result in altered splicing and premature protein truncation as well as abnormal ion channel function in vitro (Zehelein J et al. J Biol Chem. 2006; 281(46):35397-403). This variant is considered to be rare based on population cohorts in the Genome Aggregation Database (gnomAD). This nucleotide position is highly conserved in available vertebrate species. In silico splice site analysis predicts that this alteration will weaken the native splice donor site. Alterations that disrupt the canonical splice site are expected to cause aberrant splicing, resulting in an abnormal protein or a transcript that is subject to nonsense-mediated mRNA decay. As such, this alteration is classified as a disease-causing mutation.

Color Diagnostics, LLC DBA Color Health
Classification: Pathogenic for Cardiac arrhythmia. Last evaluated: 2023-03-06. Review status: criteria provided, single submitter. Criteria: ACMG Guidelines, 2015. Collection method: clinical testing. Allele origin: germline. Not counted in ClinVar's aggregate classification.
Comment: This variant causes a G>A nucleotide substitution at the canonical +1 position of intron 2 of the KCNQ1 gene. Functional RNA studies have shown that this variant causes out-of-frame skipping of exon 2, resulting in a premature truncation (PMID: 16987820). This variant has been reported in multiple individuals affected with long QT syndrome (Polyak et al., 2016; Marschall et al., 2019) and in one individual referred for long QT syndrome genetic test (PMID: 19716085). This variant has also been reported in at least four individuals affected with Jervell and Lange-Nielsen syndrome, either in homozygous (PMID: 16987820) or compound heterozygous state (PMID: 22539601, 24552659, 29037160). A few heterozygous family members of these probands have been reported to be asymptomatic for cardiac phenotype (PMID: 16987820, 29037160). This variant has been identified in 2/251080 chromosomes in the general population by the Genome Aggregation Database (gnomAD). Loss of KCNQ1 function is a known mechanism of disease. Based on the available evidence, this variant is classified as Pathogenic.

GeneDx
Classification: Pathogenic. Last evaluated: 2021-11-19. Review status: criteria provided, single submitter. Criteria: GeneDx Variant Classification Process June 2021. Collection method: clinical testing. Allele origin: germline. Affected: yes. Not counted in ClinVar's aggregate classification.
Comment: Observed in association with LQTS in the published literature (Splawski et al., 2000; Van Langen et al., 2003; Choi et al., 2004; Kapplinger et al., 2009) and in several unrelated individuals referred for genetic testing of LQTS at GeneDx; Not observed at a significant frequency in large population cohorts (gnomAD); Canonical splice donor site variant a gene for which loss-of-function is a known mechanism of disease; Published functional studies demonstrate this variant results in aberrant splicing (Zehelein et al., 2006); This variant is associated with the following publications: (PMID: 9386136, 28264985, 33552729, 19027783, 25525159, 19716085, 10973849, 12566525, 29037160, 22629021, 24552659, 30645170, 31737537, 22539601, 15466642, 26582918, 16987820)

Laboratory for Molecular Medicine, Mass General Brigham Personalized Medicine
Classification: Pathogenic for Familial long QT syndrome. Last evaluated: 2020-08-10. Review status: criteria provided, single submitter. Criteria: LMM Criteria. Collection method: clinical testing. Allele origin: germline. Inheritance: Autosomal dominant inheritance. Observed: 1 variant allele. Not counted in ClinVar's aggregate classification.
Comment: The c.477+1G>A variant in KCNQ1 has been reported in the heterozygous state in at least in at least 3 individuals with long QT syndrome (LQTS; one of whom also carried another missense variant of uncertain significance in the same gene), and in 1 individual referred for LQTS clinical genetic testing; however, their detailed clinical information was not available (Splawski 2000 PMID: 10973849, Van Langen 2003 PMID: 12566525, Kapplinger 2009 PMID: 19716085). Additionally, it has been reported in 1 individual with swimming triggered arrhythmia (Choi 2004 PMID: 15466642). It has also been reported in the homozygous state or in the compound heterozygous state with another well-established pathogenic variant in at least 3 individuals with with Jervell-Lange-Nielsen syndrome (JLNS) and segregated with disease in 1 affected relative (Zehelein 2006 PMID: 16987820, Winbo 2014 PMID: 24552659, Uysal 2017 PMID: 29037160). Relatives of these individuals, who were heterozygous carriers of this variant, were clinically asymptomatic for LQTS suggesting reduced penetrance and variable expressivity. This variant has been reported by other clinical laboratories in ClinVar (Variation ID: 200874) and has been identified in 0.002% (2/113746) of European chromosomes by gnomAD. This variant occurs within the canonical splice site (+/- 1,2) and is predicted to cause altered splicing leading to an abnormal or absent protein. Furthermore, functional studies using RNA from patients' lymphocytes suggests that this variant causes the skipping of exon 1 skipping and leads to a premature termination codon in exon 4, causing a frameshift which is predicted to lead to a truncated or absent protein. Additionally, this study suggests that this variant impacts protein function, by impairing channel formation and reducing ion current (Zehelein 2006 PMID: 16987820). Loss-of-function variants in KCNQ1 are associated with autosomal dominant LQTS (also known as Romano-Ward syndrome) and autosomal recessive JLNS. In summary, this variant meets criteria to be classified as pathogenic for autosomal dominant LQTS (ACMG/AMP criteria applied: PVS1, PS4_supporting, PM2_supporting) and autosomal recessive JLNS (ACMG/AMP criteria applied: PVS1, PM2_Supporting, PM3_Strong).

MVZ Martinsried, Medicover Genetics
Classification: Pathogenic for Long QT syndrome 1. Last evaluated: 2018-05-04. Review status: criteria provided, single submitter. Criteria: ACMG Guidelines, 2015. Collection method: clinical testing. Allele origin: unknown. Affected: yes. Not counted in ClinVar's aggregate classification.

Literature cited by the submitters: PubMed 16987820 (cited by 5 submitters); PubMed 19716085 (cited by 6 submitters); PubMed 22629021 (cited by Labcorp Genetics (formerly Invitae), Labcorp); PubMed 24552659 (cited by 4 submitters); PubMed 9323054 (cited by Variantyx, Inc.); PubMed 19862833 (cited by Variantyx, Inc.); PubMed 34860437 (cited by Variantyx, Inc.); PubMed 22539601 (cited by All of Us Research Program, National Institutes of Health and Color Diagnostics, LLC DBA Color Health); PubMed 29037160 (cited by 3 submitters); PubMed 12566525 (cited by Laboratory for Molecular Medicine, Mass General Brigham Personalized Medicine); PubMed 15466642 (cited by Laboratory for Molecular Medicine, Mass General Brigham Personalized Medicine); PubMed 10973849 (cited by Laboratory for Molecular Medicine, Mass General Brigham Personalized Medicine); PubMed 9386136 (cited by Laboratory for Molecular Medicine, Mass General Brigham Personalized Medicine).